The following is an entry in ClinVar:

NM_001378778.1(MPDZ):c.5942+5G>A

Gene: MPDZ (multiple PDZ domain crumbs cell polarity complex component; minus strand). Cytogenetic location: 9p23.
Variant type: single nucleotide variant.
Coding change: c.5942+5G>A on transcript NM_001378778.1 (MANE Select); 5 bases into the intron after coding-DNA position 5942, G replaced by A.
Molecular consequence: intron variant.
Genome position (GRCh38, 1-based): chr9:13,109,947, C>T on the plus strand (G>A on the coding strand, the complement: MPDZ is on the minus strand). VCF-style: chr9-13109947-C-T. GRCh37 (hg19) VCF-style: chr9-13109946-C-T.
Other names: c.5645+5G>A (NM_001375425.1, NM_001375426.1); c.5732+5G>A (NM_001375420.1, NM_001375423.1, NM_001375424.1 and 2 more transcripts); c.5756+5G>A (NM_001375419.1, NM_001261407.2); c.5843+5G>A (NM_001375416.1, NM_001375418.1, NM_001261406.2 and 1 more transcripts); c.5942+5G>A (NM_001330637.2); c.5534+5G>A (NM_001375427.1); c.5855+5G>A (NM_003829.5); c.6041+5G>A (NM_001375413.1).
Identifiers: ClinVar variation 1395669 (VCV001395669.6), dbSNP rs1279695234, ClinGen allele CA860499067.

ClinVar aggregate classification (germline): Uncertain significance (1 of 4 stars; one submission).

gnomAD v4.1: 4 of 1,607,164 alleles (0.00025%); highest among the groups gnomAD compares: Non-Finnish European, 0.00034%; no homozygotes.

Submission:

Labcorp Genetics (formerly Invitae), Labcorp
Classification: Uncertain significance. Last evaluated: 2025-07-14. Review status: criteria provided, single submitter. Criteria: Invitae Variant Classification Sherloc (09022015). Collection method: clinical testing. Allele origin: germline.
Comment: This sequence change falls in intron 44 of the MPDZ gene. It does not directly change the encoded amino acid sequence of the MPDZ protein. It affects a nucleotide within the consensus splice site. This variant is not present in population databases (gnomAD no frequency). This variant has not been reported in the literature in individuals affected with MPDZ-related conditions. ClinVar contains an entry for this variant (Variation ID: 1395669). Variants that disrupt the consensus splice site are a relatively common cause of aberrant splicing (PMID: 17576681, 9536098). Algorithms developed to predict the effect of sequence changes on RNA splicing suggest that this variant may disrupt the consensus splice site. In summary, the available evidence is currently insufficient to determine the role of this variant in disease. Therefore, it has been classified as a Variant of Uncertain Significance.

Literature cited by the submitters: PubMed 17576681; PubMed 9536098.